The following is an entry in ClinVar:

NM_000395.3(CSF2RB):c.2210C>T (p.Pro737Leu)

Gene: CSF2RB (colony stimulating factor 2 receptor subunit beta; plus strand). Cytogenetic location: 22q12.3.
Variant type: single nucleotide variant.
Coding change: c.2210C>T on transcript NM_000395.3 (MANE Select); coding-DNA position 2210, C replaced by T.
Protein change: p.Pro737Leu; replaces proline 737 with leucine.
Molecular consequence: missense variant.
Genome position (GRCh38, 1-based): chr22:36,938,018, C>T. VCF-style: chr22-36938018-C-T. GRCh37 (hg19) VCF-style: chr22-37334060-C-T.
Other names: c.2210C>T (NM_000395.2); short protein forms P737L.
Identifiers: ClinVar variation 1427727 (VCV001427727.9), dbSNP rs147184065, ClinGen allele CA10214064.
Genomic context (GRCh38, chr22:36,938,018, plus strand): 5'-TGGTATTCACCCCAAACTCAGGGGCCTCGTCTGTCTCCCTAGTTCCCTCTCTGGGCCTCC[C>T]CTCAGACCAGACCCCCAGCTTATGTCCTGGGCTGGCCAGTGGACCCCCTGGAGCCCCAGG-3'
Protein context (NP_000386.1, residues 727-747): SVSLVPSLGL[Pro737Leu]SDQTPSLCPG

ClinVar aggregate classification (germline): Uncertain significance. Review status: criteria provided, multiple submitters, no conflicts (2 of 4 stars). 2 submissions from 2 submitters: Uncertain significance (2). Last evaluated 2025-12-29.

Conditions:
Inborn genetic diseases. Identifiers: MedGen C0950123, MeSH D030342.

Allele frequency attached by ClinVar (database versions not stated): gnomAD 0.00003; gnomAD exomes 0.00003 and 0.00005; TOPMed 0.00003; ExAC 0.00005; ESP Exome Variant Server 0.00015.
gnomAD v4.1: 45 of 1,614,020 alleles (0.0028%); highest among the groups gnomAD compares: Admixed American, 0.0083%; no homozygotes.

Submissions (2):

Labcorp Genetics (formerly Invitae), Labcorp
Classification: Uncertain significance. Last evaluated: 2025-12-29. Review status: criteria provided, single submitter. Criteria: Invitae Variant Classification Sherloc (09022015). Collection method: clinical testing. Allele origin: germline.
Comment: This sequence change replaces proline, which is neutral and non-polar, with leucine, which is neutral and non-polar, at codon 737 of the CSF2RB protein (p.Pro737Leu). This variant is present in population databases (rs147184065, gnomAD 0.01%). This variant has not been reported in the literature in individuals affected with CSF2RB-related conditions. ClinVar contains an entry for this variant (Variation ID: 1427727). Invitae Evidence Modeling of protein sequence and biophysical properties (such as structural, functional, and spatial information, amino acid conservation, physicochemical variation, residue mobility, and thermodynamic stability) indicates that this missense variant is not expected to disrupt CSF2RB protein function with a negative predictive value of 80%. In summary, the available evidence is currently insufficient to determine the role of this variant in disease. Therefore, it has been classified as a Variant of Uncertain Significance.

Ambry Genetics
Classification: Uncertain significance for Inborn genetic diseases. Last evaluated: 2025-02-27. Review status: criteria provided, single submitter. Criteria: Ambry Variant Classification Scheme 2023. Collection method: clinical testing. Allele origin: germline.